The following is an entry in ClinVar:

ClinVar aggregate classification (germline): Uncertain significance (1 of 4 stars; one submission).

Submission:

Labcorp Genetics (formerly Invitae), Labcorp
Classification: Uncertain significance. Last evaluated: 2022-03-20. Review status: criteria provided, single submitter. Criteria: Invitae Variant Classification Sherloc (09022015). Collection method: clinical testing. Allele origin: germline.
Comment: In summary, the available evidence is currently insufficient to determine the role of this variant in disease. Therefore, it has been classified as a Variant of Uncertain Significance. Algorithms developed to predict the effect of missense changes on protein structure and function (SIFT, PolyPhen-2, Align-GVGD) all suggest that this variant is likely to be tolerated. This variant has not been reported in the literature in individuals affected with CAD-related conditions. This variant is not present in population databases (gnomAD no frequency). This sequence change replaces histidine, which is basic and polar, with glutamine, which is neutral and polar, at codon 1584 of the CAD protein (p.His1584Gln).

NM_004341.5(CAD):c.4752C>A (p.His1584Gln)

Gene: CAD (carbamoyl-phosphate synthetase 2, aspartate transcarbamylase, and dihydroorotase; plus strand). Cytogenetic location: 2p23.3.
Variant type: single nucleotide variant.
Coding change: c.4752C>A on transcript NM_004341.5 (MANE Select); coding-DNA position 4752, C replaced by A.
Protein change: p.His1584Gln; replaces histidine 1584 with glutamine.
Molecular consequence: missense variant.
Genome position (GRCh38, 1-based): chr2:27,238,079, C>A. VCF-style: chr2-27238079-C-A. GRCh37 (hg19) VCF-style: chr2-27460947-C-A.
Other names: c.4563C>A, p.His1521Gln (NM_001306079.2); short protein forms H1521Q, H1584Q.
Identifiers: ClinVar variation 2114913 (VCV002114913.2), dbSNP rs2465348150, ClinGen allele CA346221372.